The following is an entry in ClinVar:

NM_001367624.2(ZNF469):c.4235G>C (p.Ser1412Thr)

Gene: ZNF469 (zinc finger protein 469; plus strand). Cytogenetic location: 16q24.2.
Variant type: single nucleotide variant.
Coding change: c.4235G>C on transcript NM_001367624.2 (MANE Select); coding-DNA position 4235, G replaced by C.
Protein change: p.Ser1412Thr; replaces serine 1412 with threonine.
Molecular consequence: missense variant.
Genome position (GRCh38, 1-based): chr16:88,431,705, G>C. VCF-style: chr16-88431705-G-C. GRCh37 (hg19) VCF-style: chr16-88498113-G-C.
Other names: NM_001127464.1:c.4151G>C; short protein forms S1412T.
Identifiers: ClinVar variation 1738266 (VCV001738266.2), dbSNP rs576089886, ClinGen allele CA286375764.

ClinVar aggregate classification (germline): Uncertain significance (1 of 4 stars; one submission).

Conditions:
Cardiovascular phenotype. Identifiers: MedGen CN230736.

Allele frequency attached by ClinVar (database versions not stated): TOPMed below 0.00001; 1000 Genomes Project 30x 0.00016; 1000 Genomes Project 0.00020.
gnomAD v4.1: 10 of 1,550,366 alleles (0.00065%); highest among the groups gnomAD compares: Non-Finnish European, 0.00026%; no homozygotes.

Submission:

Ambry Genetics
Classification: Uncertain significance for Cardiovascular phenotype. Last evaluated: 2020-02-20. Review status: criteria provided, single submitter. Criteria: Ambry Variant Classification Scheme 2023. Collection method: clinical testing. Allele origin: germline.
Comment: The p.S1384T variant (also known as c.4151G>C), located in coding exon 2 of the ZNF469 gene, results from a G to C substitution at nucleotide position 4151. The serine at codon 1384 is replaced by threonine, an amino acid with similar properties. This amino acid position is poorly conserved in available vertebrate species. In addition, this alteration is predicted to be tolerated by in silico analysis. Since supporting evidence is limited at this time, the clinical significance of this alteration remains unclear.